The following is an entry in ClinVar:

NM_001374736.1(DST):c.13563T>G (p.Thr4521=)

Gene: DST (dystonin; minus strand). Cytogenetic location: 6p12.1.
Variant type: single nucleotide variant.
Coding change: c.13563T>G on transcript NM_001374736.1 (MANE Select); coding-DNA position 13563, T replaced by G.
Protein change: p.Thr4521=; no amino-acid change (threonine 4521 retained).
Molecular consequence: synonymous variant.
Genome position (GRCh38, 1-based): chr6:56,572,258, A>C on the plus strand (T>G on the coding strand, the complement: DST is on the minus strand). VCF-style: chr6-56572258-A-C. GRCh37 (hg19) VCF-style: chr6-56437056-A-C.
Other names: c.7206T>G, p.Thr2402= (NM_001144769.5); c.6792T>G, p.Thr2264= (NM_001144770.2); c.13563T>G, p.Thr4521= (NM_001374722.1); c.12930T>G, p.Thr4310= (NM_001374729.1); c.6672T>G, p.Thr2224= (NM_001374730.1, NM_001386100.1, NM_183380.4); c.13590T>G, p.Thr4530= (NM_001374734.1); c.5694T>G, p.Thr1898= (NM_015548.5).
Identifiers: ClinVar variation 2178026 (VCV002178026.4), dbSNP rs988447637, ClinGen allele CA139212930.

ClinVar aggregate classification (germline): Uncertain significance (1 of 4 stars; one submission).

Conditions:
Hereditary sensory and autonomic neuropathy type 6. Also called: HSAN VI; Neuropathy, hereditary sensory and autonomic, type VI. Identifiers: Orphanet 314381, MedGen C3539003, MONDO:0013839, OMIM 614653.
Epidermolysis bullosa simplex 3, localized or generalized intermediate, with BP230 deficiency (EBS3). Also called: Epidermolysis bullosa simplex due to BP230 deficiency; Epidermolysis bullosa simplex, autosomal recessive 2. Identifiers: Orphanet 412181, MedGen C3809470, MONDO:0014180, OMIM 615425.

Allele frequency attached by ClinVar (database versions not stated): gnomAD exomes below 0.00001; gnomAD 0.00002; TOPMed 0.00002.
gnomAD v4.1: 9 of 1,556,878 alleles (0.00058%); highest among the groups gnomAD compares: Admixed American, 0.0093%; 1 homozygote.

Submission:

Labcorp Genetics (formerly Invitae), Labcorp
Classification: Uncertain significance for Epidermolysis bullosa simplex 3, localized or generalized intermediate, with BP230 deficiency; Hereditary sensory and autonomic neuropathy type 6. Last evaluated: 2024-10-15. Review status: criteria provided, single submitter. Criteria: Invitae Variant Classification Sherloc (09022015). Collection method: clinical testing. Allele origin: germline.
Comment: The DST gene has multiple clinically relevant transcripts. This variant occurs in alternate transcript NM_015548.4, and corresponds to NM_001723.5:c.*43259T>G in the primary transcript. This sequence change affects codon 1898 of the DST mRNA. It is a 'silent' change, meaning that it does not change the encoded amino acid sequence of the DST protein. This variant is present in population databases (no rsID available, gnomAD 0.01%). This variant has not been reported in the literature in individuals affected with DST-related conditions. Experimental studies and prediction algorithms are not available or were not evaluated, and the effect of this variant on mRNA splicing is currently unknown. In summary, the available evidence is currently insufficient to determine the role of this variant in disease. Therefore, it has been classified as a Variant of Uncertain Significance.